The following is an entry in ClinVar:

ClinVar aggregate classification (germline): Likely pathogenic (1 of 4 stars; one submission).

Conditions:
Developmental and epileptic encephalopathy, 11 (DEE11). Also called: Early infantile epileptic encephalopathy 11. Identifiers: Orphanet 1934, MedGen C3150987, MONDO:0013388, OMIM 613721.

Submission:

Diagnostics Services (NGS), CSIR - Centre For Cellular And Molecular Biology
Classification: Likely pathogenic for Developmental and epileptic encephalopathy, 11. Last evaluated: 2024-09-27. Review status: criteria provided, single submitter. Criteria: ACMG Guidelines, 2015. Collection method: clinical testing. Allele origin: unknown. Affected: yes. Observed: 1 variant allele, 1 heterozygote.
Comment: The c.4418T>A variant is not present in publicly available population databases like 1000 Genomes, EVS, ExAC, gnomAD, Indian Exome Database or our in-house exome database. This variant has neither been published in the literature in individuals affected with SCN2A-related conditions nor reported to the clinical databases like Human Genome Mutation Database (HGMD), ClinVar or OMIM, in any affected individuals. In-silico pathogenicity prediction programs like SIFT, MutationTaster2, Varsome, Franklin, InterVar etc predicted this variant to be likely deleterious. This variant is located in a mutational hotspot region of the gene and different amino acid changes in the same codon (Ile1473Thr, Ile1473Met) have been observed in affected individuals, published in literature several times and reported to the clinical databases as ‘Pathogenic / Likely pathogenic’ by multiple submitters.

NM_001040142.2(SCN2A):c.4418T>A (p.Ile1473Lys)

Gene: SCN2A (sodium voltage-gated channel alpha subunit 2; plus strand). Cytogenetic location: 2q24.3.
Variant type: single nucleotide variant.
Coding change: c.4418T>A on transcript NM_001040142.2 (MANE Select); coding-DNA position 4418, T replaced by A.
Protein change: p.Ile1473Lys; replaces isoleucine 1473 with lysine.
Molecular consequence: missense variant.
Genome position (GRCh38, 1-based): chr2:165,380,701, T>A. VCF-style: chr2-165380701-T-A. GRCh37 (hg19) VCF-style: chr2-166237211-T-A.
Other names: c.4418T>A, p.Ile1473Lys (NM_001040143.2, NM_001371246.1, NM_001371247.1 and 1 more transcripts); short protein forms I1473K.
Identifiers: ClinVar variation 3367182 (VCV003367182.1).
Genomic context (GRCh38, chr2:165,380,701, plus strand): 5'-TTGTCATCTTTATTATTTTTGGTTCATTCTTTACCTTGAATCTTTTCATTGGTGTCATCA[T>A]AGATAACTTCAACCAACAGAAAAAGAAGATAAGTATATTAAAACTTCATCCTTGCTCTGA-3'
Protein context (NP_001035232.1, residues 1463-1483): FTLNLFIGVI[Ile1473Lys]DNFNQQKKKF